The following continues an entry in ClinVar:

NM_001267550.2(TTN):c.14232C>A (p.Asp4744Glu)

Gene: TTN. ClinVar aggregate classification (germline): Conflicting classifications of pathogenicity. Uncertain significance (10); Benign (2); Likely benign (5).

Submissions 17 to 22 of 22:

Laboratory for Molecular Medicine, Mass General Brigham Personalized Medicine
Classification: Uncertain significance. Last evaluated: 2013-11-08. Review status: criteria provided, single submitter. Criteria: LMM Criteria. Collection method: clinical testing. Allele origin: germline. Observed: 2 variant alleles.
Comment: Variant classified as Uncertain Significance - Favor Benign. The Asp3500Glu vari ant in TTN has now been reported by our laboratory in 2 adults with DCM. This va riant has been identified in 0.1% (7/8212) of European American chromosomes by t he NHLBI Exome Sequencing Project (dbSNP rs55 906845). Aspartic acid (Asp) at position 3500 is conserved in mammals, but not i n lower species with several fish species carrying the variant amino acid (gluta mic acid), raising the possibility that this change may be tolerated. Additional computational analyses (amino acid biochemical properties, AlignGVGD, SIFT, Pol yPhen-2) suggest that this variant may not impact the protein. Although this dat a supports that the Asp3500Glu variant may be benign, additional studies are nee ded to fully assess its clinical significance.

GeneDx
No classification provided. Last evaluated: 2014-06-23. Review status: no classification provided. Criteria: GeneDx Variant Classification (06012015). Collection method: clinical testing. Allele origin: germline. Affected: yes. Not counted in ClinVar's aggregate classification.
Comment: Missense variants in the TTN gene are considered 'unclassified' if they are not previously reported in the literature and do not have >1% frequency in the population to be considered a polymorphism. Research indicates that truncating mutations in the TTN gene are expected to account for approximately 25% of familial and 18% of sporadic idiopathic DCM; however, truncating variants in the TTN gene have been reported in approximately 3% of reported control alleles. There has been little investigation into non-truncating variants. (Herman D et al. Truncations of titin causing dilated cardiomyopathy. N Eng J Med 366:619-628, 2012) The variant is found in DCM,CARDIOMYOPATHY panel(s).

Clinical Genetics DNA and cytogenetics Diagnostics Lab, Erasmus MC, Erasmus Medical Center
Classification: Likely benign. Review status: no assertion criteria provided. Collection method: clinical testing. Allele origin: germline. Affected: yes. Study: VKGL Data-share Consensus. Not counted in ClinVar's aggregate classification.

Clinical Genetics, Academic Medical Center
Classification: Likely benign. Review status: no assertion criteria provided. Collection method: clinical testing. Allele origin: germline. Affected: yes. Study: VKGL Data-share Consensus. Not counted in ClinVar's aggregate classification.

Genome Diagnostics Laboratory, University Medical Center Utrecht
Classification: Likely benign. Review status: no assertion criteria provided. Collection method: clinical testing. Allele origin: germline. Affected: yes. Study: VKGL Data-share Consensus. Not counted in ClinVar's aggregate classification.

Joint Genome Diagnostic Labs from Nijmegen and Maastricht, Radboudumc and MUMC+
Classification: Likely benign. Review status: no assertion criteria provided. Collection method: clinical testing. Allele origin: germline. Affected: yes. Study: VKGL Data-share Consensus. Not counted in ClinVar's aggregate classification.

Literature cited by the submitters: PubMed 26516846 (cited by Mayo Clinic Laboratories, Mayo Clinic and Women's Health and Genetics/Laboratory Corporation of America, LabCorp).